The following is an entry in ClinVar:

ClinVar aggregate classification (germline): Likely pathogenic (1 of 4 stars; one submission).

Conditions:
Cardiovascular phenotype. Identifiers: MedGen CN230736.

Submission:

Ambry Genetics
Classification: Likely pathogenic for Cardiovascular phenotype. Last evaluated: 2022-11-04. Review status: criteria provided, single submitter. Criteria: Ambry Variant Classification Scheme 2023. Collection method: clinical testing. Allele origin: germline.
Comment: The c.75681_75682delTAinsAT variant (also known as p.Y25227*), located in coding exon 185 of the TTN gene, results from an in-frame deletion of TA and insertion of AT at nucleotide positions 75681 to 75682. This changes the amino acid from a tyrosine to a stop codon within coding exon 185. This exon is located in the M-band region of the N2-B isoform of the titin protein and is constitutively expressed in TTN transcripts (percent spliced in or PSI 100%). This variant is considered to be rare based on population cohorts in the Genome Aggregation Database (gnomAD). This alteration is expected to result in loss of function by premature protein truncation or nonsense-mediated mRNA decay. While truncating variants in TTN are present in 1-3% of the general population, truncating variants in the M-band have been reported in association with autosomal recessive titinopathies, primarily presenting with skeletal myopathy phenotypes (Ceyhan-Birsoy O et al. Neurology. 2013 Oct 1;81(14):1205-14; De Cid R et al. Neurology. 2015;85(24):2126-35). In addition, regardless of their position, TTN truncating variants encoded in constitutive exons (PSI >90%) have been found to be significantly associated with dilated cardiomyopathy (DCM), though truncating variants in the A-band are the most common cause of DCM (Herman DS et al. N. Engl. J. Med., 2012 Feb;366:619-28; Roberts AM et al. Sci Transl Med, 2015 Jan;7:270ra6; Schafer S et al. Nat. Genet., 2017 01;49:46-53). Based on the majority of available evidence to date, this variant is likely to be pathogenic in association with autosomal recessive titinopathy; however, the clinical significance of this alteration with respect to cardiomyopathy remains unclear.

NM_001267550.2(TTN):c.102876_102877delinsAT (p.Tyr34292_Lys34293delinsTer)

Genes: TTN (titin; minus strand), TTN-AS1 (TTN antisense RNA 1; plus strand). Cytogenetic location: 2q31.2.
Variant type: Indel.
Coding change: c.102876_102877delinsAT on transcript NM_001267550.2 (MANE Select); coding-DNA positions 102876 to 102877, TA replaced by AT.
Protein change: p.Tyr34292_Lys34293delinsTer.
Molecular consequence: nonsense.
Genome position (GRCh38, 1-based): chr2:178,533,738-178,533,739, TA replaced by AT on the plus strand (TA replaced by AT on the coding strand, the reverse complement: TTN is on the minus strand). VCF-style: chr2-178533738-TA-AT. GRCh37 (hg19) VCF-style: chr2-179398465-TA-AT.
Other names: c.97953_97954delinsAT, p.Tyr32651_Lys32652delinsTer (NM_001256850.1); c.75681_75682delinsAT, p.Tyr25227_Lys25228delinsTer (NM_003319.4); c.95172_95173delinsAT, p.Tyr31724_Lys31725delinsTer (NM_133378.4); c.76056_76057delinsAT, p.Tyr25352_Lys25353delinsTer (NM_133432.3); c.76257_76258delinsAT, p.Tyr25419_Lys25420delinsTer (NM_133437.4); c.75681_75682delTAinsAT (NM_003319.4); short protein forms Y34292*.
Identifiers: ClinVar variation 2451843 (VCV002451843.2), dbSNP rs2468505868, ClinGen allele CA2580064907.